The following is an entry in ClinVar:

NM_023935.3(DDRGK1):c.779-3C>A

Gene: DDRGK1 (DDRGK domain containing 1; minus strand). Cytogenetic location: 20p13.
Variant type: single nucleotide variant.
Coding change: c.779-3C>A on transcript NM_023935.3 (MANE Select); 3 bases into the intron before coding-DNA position 779, C replaced by A.
Molecular consequence: intron variant.
Genome position (GRCh38, 1-based): chr20:3,190,822, G>T on the plus strand (C>A on the coding strand, the complement: DDRGK1 is on the minus strand). VCF-style: chr20-3190822-G-T. GRCh37 (hg19) VCF-style: chr20-3171468-G-T.
Identifiers: ClinVar variation 2094956 (VCV002094956.4), dbSNP rs1478884969, ClinGen allele CA2580097975.

ClinVar aggregate classification (germline): Uncertain significance (1 of 4 stars; one submission).

Submission:

Labcorp Genetics (formerly Invitae), Labcorp
Classification: Uncertain significance. Last evaluated: 2026-01-12. Review status: criteria provided, single submitter. Criteria: Invitae Variant Classification Sherloc (09022015). Collection method: clinical testing. Allele origin: germline.
Comment: This sequence change falls in intron 8 of the DDRGK1 gene. It does not directly change the encoded amino acid sequence of the DDRGK1 protein. It affects a nucleotide within the consensus splice site. This variant is not present in population databases (gnomAD no frequency). This variant has not been reported in the literature in individuals affected with DDRGK1-related conditions. ClinVar contains an entry for this variant (Variation ID: 2094956). Variants that disrupt the consensus splice site are a relatively common cause of aberrant splicing (PMID: 17576681, 9536098). Algorithms developed to predict the effect of sequence changes on RNA splicing suggest that this variant is not likely to affect RNA splicing. In summary, the available evidence is currently insufficient to determine the role of this variant in disease. Therefore, it has been classified as a Variant of Uncertain Significance.

Literature cited by the submitters: PubMed 17576681; PubMed 9536098.